The following is an entry in ClinVar:

ClinVar aggregate classification (germline): Uncertain significance (1 of 4 stars; one submission).

Submission:

Labcorp Genetics (formerly Invitae), Labcorp
Classification: Uncertain significance. Last evaluated: 2022-11-15. Review status: criteria provided, single submitter. Criteria: Invitae Variant Classification Sherloc (09022015). Collection method: clinical testing. Allele origin: germline.
Comment: This sequence change replaces glutamine, which is neutral and polar, with arginine, which is basic and polar, at codon 378 of the KIF23 protein (p.Gln378Arg). This variant is not present in population databases (gnomAD no frequency). This variant has not been reported in the literature in individuals affected with KIF23-related conditions. Advanced modeling of protein sequence and biophysical properties (such as structural, functional, and spatial information, amino acid conservation, physicochemical variation, residue mobility, and thermodynamic stability) performed at Invitae indicates that this missense variant is expected to disrupt KIF23 protein function. In summary, the available evidence is currently insufficient to determine the role of this variant in disease. Therefore, it has been classified as a Variant of Uncertain Significance.

NM_001367805.3(KIF23):c.1175A>G (p.Gln392Arg)

Gene: KIF23 (kinesin family member 23; plus strand). Cytogenetic location: 15q23.
Variant type: single nucleotide variant.
Coding change: c.1175A>G on transcript NM_001367805.3 (MANE Select); coding-DNA position 1175, A replaced by G.
Protein change: p.Gln392Arg; replaces glutamine 392 with arginine.
Molecular consequence: missense variant. On other transcripts: non-coding transcript variant (2).
Genome position (GRCh38, 1-based): chr15:69,435,543, A>G. VCF-style: chr15-69435543-A-G. GRCh37 (hg19) VCF-style: chr15-69727882-A-G.
Other names: c.803A>G, p.Gln268Arg (NM_001281301.2); c.1133A>G, p.Gln378Arg (NM_001367804.2, NM_004856.7, NM_138555.4); short protein forms Q268R, Q392R, Q378R.
Identifiers: ClinVar variation 2016888 (VCV002016888.4), dbSNP rs2505043267, ClinGen allele CA393006787.